The following is an entry in ClinVar:

ClinVar aggregate classification (germline): Uncertain significance. Review status: criteria provided, multiple submitters, no conflicts (2 of 4 stars). 4 submissions from 4 submitters: Uncertain significance (3). 1 of the submissions does not count toward it. Last evaluated 2025-07-30.

Conditions:
Hereditary cancer-predisposing syndrome. Also called: Neoplastic Syndromes, Hereditary; Tumor predisposition; Hereditary Cancer Syndrome; Hereditary neoplastic syndrome. Identifiers: Orphanet 140162, MedGen C0027672, MeSH D009386, MONDO:0015356.
Tuberous sclerosis 2 (TSC2). Identifiers: Orphanet 805, MedGen C1860707, MONDO:0013199, OMIM 613254.
Tuberous sclerosis syndrome (TSC). Also called: Tuberous Sclerosis Complex; Tuberous sclerosis. Identifiers: Orphanet 805, MedGen C0041341, MONDO:0001734.

Submissions (4):

Labcorp Genetics (formerly Invitae), Labcorp
Classification: Uncertain significance for Tuberous sclerosis 2. Last evaluated: 2025-07-30. Review status: criteria provided, single submitter. Criteria: Invitae Variant Classification Sherloc (09022015). Collection method: clinical testing. Allele origin: germline.
Comment: This sequence change replaces glutamic acid, which is acidic and polar, with aspartic acid, which is acidic and polar, at codon 544 of the TSC2 protein (p.Glu544Asp). This variant is not present in population databases (gnomAD no frequency). This missense change has been observed in individual(s) with clinical features of TSC2-related conditions (PMID: 21520333). ClinVar contains an entry for this variant (Variation ID: 49672). Invitae Evidence Modeling of protein sequence and biophysical properties (such as structural, functional, and spatial information, amino acid conservation, physicochemical variation, residue mobility, and thermodynamic stability) indicates that this missense variant is not expected to disrupt TSC2 protein function with a negative predictive value of 95%. In summary, the available evidence is currently insufficient to determine the role of this variant in disease. Therefore, it has been classified as a Variant of Uncertain Significance.

GeneDx
Classification: Uncertain significance. Last evaluated: 2023-11-06. Review status: criteria provided, single submitter. Criteria: GeneDx Variant Classification Process June 2021. Collection method: clinical testing. Allele origin: germline. Affected: yes.
Comment: Not observed at significant frequency in large population cohorts (gnomAD); In silico analysis supports that this missense variant does not alter protein structure/function; Has not been previously published as pathogenic or benign to our knowledge

Ambry Genetics
Classification: Uncertain significance for Hereditary cancer-predisposing syndrome. Last evaluated: 2020-03-03. Review status: criteria provided, single submitter. Criteria: Ambry Variant Classification Scheme 2023. Collection method: clinical testing. Allele origin: germline.
Comment: The p.E544D variant (also known as c.1632G>T), located in coding exon 15 of the TSC2 gene, results from a G to T substitution at nucleotide position 1632. The glutamic acid at codon 544 is replaced by aspartic acid, an amino acid with highly similar properties. This amino acid position is well conserved in available vertebrate species. In addition, the in silico prediction for this alteration is inconclusive. Since supporting evidence is limited at this time, the clinical significance of this alteration remains unclear.

Tuberous sclerosis database (TSC2)
No classification provided. Condition: TSC. Review status: no classification provided. Criteria: Tuberous Sclerosis Database Assertion Criteria 2015. Collection method: curation. Allele origin: germline. Affected: yes. Not counted in ClinVar's aggregate classification.

Literature cited by the submitters: PubMed 21520333 (cited by Labcorp Genetics (formerly Invitae), Labcorp).

NM_000548.5(TSC2):c.1632G>T (p.Glu544Asp)

Gene: TSC2 (TSC complex subunit 2; plus strand). Cytogenetic location: 16p13.3.
Variant type: single nucleotide variant.
Coding change: c.1632G>T on transcript NM_000548.5 (MANE Select); coding-DNA position 1632, G replaced by T.
Protein change: p.Glu544Asp; replaces glutamic acid 544 with aspartic acid.
Molecular consequence: missense variant.
Genome position (GRCh38, 1-based): chr16:2,065,551, G>T. VCF-style: chr16-2065551-G-T. GRCh37 (hg19) VCF-style: chr16-2115552-G-T.
Other names: c.1632G>T, p.Glu544Asp (NM_001077183.3, NM_001114382.3, NM_001363528.2 and 3 more transcripts); c.1521G>T, p.Glu507Asp (NM_001318827.2); c.1485G>T, p.Glu495Asp (NM_001318829.2); c.1032G>T, p.Glu344Asp (NM_001318831.2); c.1665G>T, p.Glu555Asp (NM_001318832.2); short protein forms E544D, E507D, E555D, E344D, E495D.
Identifiers: ClinVar variation 49672 (VCV000049672.14), dbSNP rs137854075, ClinGen allele CA015380.